The following is an entry in ClinVar:

NM_018127.7(ELAC2):c.2249T>C (p.Met750Thr)

Gene: ELAC2 (elaC ribonuclease Z 2; minus strand). Cytogenetic location: 17p12.
Variant type: single nucleotide variant.
Coding change: c.2249T>C on transcript NM_018127.7 (MANE Select); coding-DNA position 2249, T replaced by C.
Protein change: p.Met750Thr; replaces methionine 750 with threonine.
Molecular consequence: missense variant.
Genome position (GRCh38, 1-based): chr17:12,993,691, A>G on the plus strand (T>C on the coding strand, the complement: ELAC2 is on the minus strand). VCF-style: chr17-12993691-A-G. GRCh37 (hg19) VCF-style: chr17-12897008-A-G.
Other names: c.2129T>C, p.Met710Thr (NM_001165962.2); c.2246T>C, p.Met749Thr (NM_173717.2); c.2249T>C (NM_018127.6); short protein forms M750T, M710T, M749T.
Identifiers: ClinVar variation 2150219 (VCV002150219.2), dbSNP rs769686385, ClinGen allele CA398222480.

ClinVar aggregate classification (germline): Conflicting classifications of pathogenicity. Review status: criteria provided, conflicting classifications (1 of 4 stars). 2 submissions from 2 submitters: Likely pathogenic (1); Uncertain significance (1). Last evaluated 2024-02-27.

Conditions:
Combined oxidative phosphorylation defect type 17. Also called: Combined oxidative phosphorylation deficiency 17. Identifiers: Orphanet 369913, MedGen C3809526, MONDO:0014190, OMIM 615440.

Allele frequency attached by ClinVar (database versions not stated): gnomAD 0.00005.
gnomAD v4.1: 9 of 1,614,004 alleles (0.00056%); highest among the groups gnomAD compares: African/African-American, 0.012%; no homozygotes.

Submissions (2):

Service de Génétique Médicale, Centre Hospitalier Universitaire de Nice-Université Côte d'Azur
Classification: Likely pathogenic for Combined oxidative phosphorylation defect type 17. Last evaluated: 2024-02-27. Review status: criteria provided, single submitter. Criteria: ACMG Guidelines, 2015. Collection method: clinical testing. Allele origin: germline. Affected: yes.

Labcorp Genetics (formerly Invitae), Labcorp
Classification: Uncertain significance for Combined oxidative phosphorylation defect type 17. Last evaluated: 2022-08-11. Review status: criteria provided, single submitter. Criteria: Invitae Variant Classification Sherloc (09022015). Collection method: clinical testing. Allele origin: germline.
Comment: This sequence change replaces methionine, which is neutral and non-polar, with threonine, which is neutral and polar, at codon 750 of the ELAC2 protein (p.Met750Thr). This variant is present in population databases (no rsID available, gnomAD 0.01%). This variant has not been reported in the literature in individuals affected with ELAC2-related conditions. Algorithms developed to predict the effect of missense changes on protein structure and function (SIFT, PolyPhen-2, Align-GVGD) all suggest that this variant is likely to be disruptive. In summary, the available evidence is currently insufficient to determine the role of this variant in disease. Therefore, it has been classified as a Variant of Uncertain Significance.

Literature cited by the submitters: PubMed 38703036 (cited by Service de Génétique Médicale, Centre Hospitalier Universitaire de Nice-Université Côte d'Azur).